The following is an entry in ClinVar:

NM_024675.4(PALB2):c.648T>A (p.Ile216=)

Gene: PALB2 (partner and localizer of BRCA2; minus strand). Cytogenetic location: 16p12.2.
Variant type: single nucleotide variant.
Coding change: c.648T>A on transcript NM_024675.4 (MANE Select); coding-DNA position 648, T replaced by A.
Protein change: p.Ile216=; no amino-acid change (isoleucine 216 retained).
Molecular consequence: synonymous variant. On other transcripts: 5 prime UTR variant (8), intron variant (3).
Genome position (GRCh38, 1-based): chr16:23,635,898, A>T on the plus strand (T>A on the coding strand, the complement: PALB2 is on the minus strand). VCF-style: chr16-23635898-A-T. GRCh37 (hg19) VCF-style: chr16-23647219-A-T.
Other names: c.588T>A, p.Ile196= (NM_001407296.1); c.648T>A, p.Ile216= (NM_001407297.1, NM_001407298.1, NM_001407299.1 and 3 more transcripts); c.-238T>A (NM_001407304.1, NM_001407305.1, NM_001407306.1 and 5 more transcripts); c.48+5212T>A (NM_001407314.1); c.-105+5212T>A (NM_001407313.1, NM_001407312.1).
Identifiers: ClinVar variation 1691954 (VCV001691954.3), dbSNP rs1597098670, ClinGen allele CA494461944.

ClinVar aggregate classification (germline): Benign/Likely benign. Review status: criteria provided, multiple submitters, no conflicts (2 of 4 stars). 3 submissions from 3 submitters: Benign (1); Likely benign (2). Last evaluated 2025-01-10.

Conditions:
Hereditary cancer-predisposing syndrome. Also called: Hereditary Cancer Syndrome; Hereditary neoplastic syndrome; Neoplastic Syndromes, Hereditary; Tumor predisposition. Identifiers: Orphanet 140162, MedGen C0027672, MeSH D009386, MONDO:0015356.
Familial cancer of breast. Also called: BREAST CANCER, FAMILIAL; Hereditary breast cancer; hereditary breast carcinoma. Identifiers: Orphanet 227535, MedGen C0346153, MONDO:0016419, OMIM 114480. Disease mechanism: loss of function.

Submissions (3):

Myriad Genetics, Inc.
Classification: Benign for Familial cancer of breast. Last evaluated: 2025-01-10. Review status: criteria provided, single submitter. Criteria: Myriad Autosomal Dominant, Autosomal Recessive and X-Linked Classification Criteria (2023). Collection method: clinical testing. Allele origin: unknown.
Comment: This variant is considered benign. This variant is a silent/synonymous amino acid change and it is not expected to impact splicing.

Ambry Genetics
Classification: Likely benign for Hereditary cancer-predisposing syndrome. Last evaluated: 2024-10-28. Review status: criteria provided, single submitter. Criteria: Ambry Variant Classification Scheme 2023. Collection method: clinical testing. Allele origin: germline.

Sema4
Classification: Likely benign for Hereditary cancer-predisposing syndrome. Last evaluated: 2021-06-19. Review status: criteria provided, single submitter. Criteria: Sema4 Curation Guidelines. Collection method: curation. Allele origin: germline.